The following is an entry in ClinVar:

ClinVar aggregate classification (germline): Conflicting classifications of pathogenicity. Review status: criteria provided, conflicting classifications (1 of 4 stars). 6 submissions from 3 submitters: Uncertain significance (5); Likely benign (1). Last evaluated 2025-12-12.

Conditions:
Multiple endocrine neoplasia. Identifiers: Orphanet 276161, MedGen C0027662, MONDO:0017169.
Hirschsprung disease, susceptibility to, 1 (HSCR1). Also called: RET-Related Hirschsprung Disease. Identifiers: Orphanet 388, MedGen C3888239, MONDO:0007723, OMIM 142623.
Pheochromocytoma. Also called: MAX-Related Hereditary Paraganglioma-Pheochromocytoma Syndrome. Identifiers: Orphanet 29072, MedGen C0031511, MONDO:0008233, OMIM 171300, HP:0002666.
Renal hypodysplasia/aplasia 1 (RHDA1). Also called: HEREDITARY RENAL APLASIA; RENAL APLASIA. Identifiers: Orphanet 411709, MedGen C1619700, MONDO:0024519, OMIM 191830.
Hereditary cancer-predisposing syndrome. Also called: Neoplastic Syndromes, Hereditary; Tumor predisposition; Hereditary Cancer Syndrome; Hereditary neoplastic syndrome. Identifiers: Orphanet 140162, MedGen C0027672, MeSH D009386, MONDO:0015356.
Multiple endocrine neoplasia, type 2 (MEN2). Identifiers: Orphanet 653, MedGen C4048306, MONDO:0019003. Disease mechanism: gain of function.

Submissions (6):

Ambry Genetics
Classification: Uncertain significance for Hereditary cancer-predisposing syndrome. Last evaluated: 2025-12-12. Review status: criteria provided, single submitter. Criteria: Ambry Variant Classification Scheme 2023. Collection method: clinical testing. Allele origin: germline.
Comment: The c.1880-5C>A intronic variant results from a C to A substitution 5 nucleotides upstream from coding exon 11 in the RET gene. This nucleotide position is not well conserved in available vertebrate species. In silico splice site analysis predicts that this alteration will not have any significant effect on splicing. Based on the available evidence, the clinical significance of this variant remains unclear.

Labcorp Genetics (formerly Invitae), Labcorp
Classification: Likely benign for Multiple endocrine neoplasia, type 2. Last evaluated: 2024-03-17. Review status: criteria provided, single submitter. Criteria: Invitae Variant Classification Sherloc (09022015). Collection method: clinical testing. Allele origin: germline.

Illumina Laboratory Services, Illumina
Classification: Uncertain significance for Renal hypodysplasia/aplasia 1. Last evaluated: 2018-01-13. Review status: criteria provided, single submitter. Criteria: ICSL Variant Classification Criteria 13 December 2019. Collection method: clinical testing. Allele origin: germline.

Illumina Laboratory Services, Illumina
Classification: Uncertain significance for Pheochromocytoma. Last evaluated: 2018-01-13. Review status: criteria provided, single submitter. Criteria: ICSL Variant Classification Criteria 13 December 2019. Collection method: clinical testing. Allele origin: germline.

Illumina Laboratory Services, Illumina
Classification: Uncertain significance for Hirschsprung disease, susceptibility to, 1. Last evaluated: 2018-01-13. Review status: criteria provided, single submitter. Criteria: ICSL Variant Classification Criteria 13 December 2019. Collection method: clinical testing. Allele origin: germline.

Illumina Laboratory Services, Illumina
Classification: Uncertain significance for Multiple endocrine neoplasia. Last evaluated: 2018-01-13. Review status: criteria provided, single submitter. Criteria: ICSL Variant Classification Criteria 13 December 2019. Collection method: clinical testing. Allele origin: germline.

NM_020975.6(RET):c.1880-5C>A

Gene: RET (ret proto-oncogene; plus strand). Cytogenetic location: 10q11.21.
Variant type: single nucleotide variant.
Coding change: c.1880-5C>A on transcript NM_020975.6 (MANE Select); 5 bases into the intron before coding-DNA position 1880, C replaced by A.
Molecular consequence: intron variant.
Genome position (GRCh38, 1-based): chr10:43,114,475, C>A. VCF-style: chr10-43114475-C-A. GRCh37 (hg19) VCF-style: chr10-43609923-C-A.
Other names: c.1880-5C>A (NM_020630.7, NM_001406743.1, NM_001406744.1 and 2 more transcripts); c.1880-140C>A (NM_001406765.1, NM_001406763.1); c.1484-5C>A (NM_001406772.1, NM_001406769.1); c.1442-5C>A (NM_001406773.1, NM_001406771.1); c.983-5C>A (NM_001406782.1, NM_001406780.1, NM_001406779.1 and 1 more transcripts); c.983-140C>A (NM_001406787.1); c.863-5C>A (NM_001406785.1); c.1751-5C>A (NM_001406764.1, NM_001406762.1, NM_001406761.1); and 10 more.
Identifiers: ClinVar variation 877158 (VCV000877158.11), dbSNP rs1838016447, ClinGen allele CA1139659376.